The following is an entry in ClinVar:

ClinVar aggregate classification (germline): Uncertain significance (1 of 4 stars; one submission).

Submission:

GeneDx
Classification: Uncertain significance. Last evaluated: 2022-07-22. Review status: criteria provided, single submitter. Criteria: GeneDx Variant Classification Process June 2021. Collection method: clinical testing. Allele origin: germline. Affected: yes.
Comment: Not observed at significant frequency in large population cohorts (gnomAD); Frameshift variant predicted to result in protein truncation or nonsense mediated decay in a gene or region of a gene for which loss of function is not a well-established mechanism of disease; Has not been previously published as pathogenic or benign to our knowledge; Variants in candidate genes are classified as variants of uncertain significance in accordance with ACMG guidelines (Richards et al., 2015)

NM_001281775.3(ZMYND8):c.3030_3040del (p.Met1012fs)

Gene: ZMYND8 (zinc finger MYND-type containing 8; minus strand). Cytogenetic location: 20q13.12.
Variant type: Deletion.
Coding change: c.3030_3040del on transcript NM_001281775.3 (MANE Select); coding-DNA positions 3030 to 3040, 11 bases deleted (GGAGATGCGGC).
Protein change: p.Met1012fs; shifts the reading frame from methionine 1012.
Molecular consequence: frameshift variant.
Genome position (GRCh38, 1-based): chr20:47,224,533-47,224,543, GCCGCATCTCC deleted on the plus strand (GGAGATGCGGC on the coding strand, the reverse complement: ZMYND8 is on the minus strand); deleting any 11 consecutive bases within chr20:47,224,533-47,224,546 gives the same sequence; the c. name uses the placement nearest the transcript's 3' end. VCF-style (leftmost placement, unchanged base first): chr20-47224532-TGCCGCATCTCC-T. GRCh37 (hg19) VCF-style: chr20-45853185-TGCCGCATCTCC-T.
Other names: c.2574_2584del, p.Met860fs (NM_001281771.3); c.2970_2980del, p.Met992fs (NM_001281772.3, NM_001281773.3, NM_001363741.2); c.2832_2842del, p.Met946fs (NM_001281774.3); c.2649_2659del, p.Met885fs (NM_001281776.3); c.2817_2827del, p.Met941fs (NM_001281777.3, NM_183048.4); c.2955_2965del, p.Met987fs (NM_001281778.3); c.2088_2098del, p.Met698fs (NM_001281779.3, NM_001281780.3); c.2676_2686del, p.Met894fs (NM_001281781.3); and 5 more; short protein forms M1019fs, M914fs, M941fs, M966fs, M987fs, M894fs, M992fs, M1012fs.
Identifiers: ClinVar variation 2136253 (VCV002136253.1), dbSNP rs2516419386, ClinGen allele CA2580098259.